The following is an entry in ClinVar:

NM_031433.4(MFRP):c.510C>T (p.Cys170=)

Genes: C1QTNF5 (C1q and TNF related 5; minus strand), MFRP (membrane frizzled-related protein; minus strand). Cytogenetic location: 11q23.3.
Variant type: single nucleotide variant.
Coding change: c.510C>T on transcript NM_031433.4 (MANE Select); coding-DNA position 510, C replaced by T.
Protein change: p.Cys170=; no amino-acid change (cysteine 170 retained).
Molecular consequence: synonymous variant. On other transcripts: 5 prime UTR variant (1).
Genome position (GRCh38, 1-based): chr11:119,345,551, G>A on the plus strand (C>T on the coding strand, the complement: MFRP is on the minus strand). VCF-style: chr11-119345551-G-A. GRCh37 (hg19) VCF-style: chr11-119216261-G-A.
Other names: c.-2127C>T (NM_015645.5).
Identifiers: ClinVar variation 1062183 (VCV001062183.8), dbSNP rs201919246, ClinGen allele CA6320521.

ClinVar aggregate classification (germline): Uncertain significance (1 of 4 stars; one submission).

Conditions:
Isolated microphthalmia 5. Also called: Posterior Microphthalmia with Retinitis Pigmentosa, Foveoschisis, and Optic Disc Drusen. Identifiers: Orphanet 251279, MedGen C1970236, MONDO:0012605, OMIM 611040.

Allele frequency attached by ClinVar (database versions not stated): 1000 Genomes Project 0.00020; gnomAD 0.00001; TOPMed 0.00001; ExAC 0.00002; 1000 Genomes Project 30x 0.00016; gnomAD exomes 0.00002.
gnomAD v4.1: 26 of 1,614,088 alleles (0.0016%); highest among the groups gnomAD compares: African/African-American, 0.0027%; no homozygotes.

Submission:

Labcorp Genetics (formerly Invitae), Labcorp
Classification: Uncertain significance for Isolated microphthalmia 5. Last evaluated: 2022-11-22. Review status: criteria provided, single submitter. Criteria: Invitae Variant Classification Sherloc (09022015). Collection method: clinical testing. Allele origin: germline.
Comment: ClinVar contains an entry for this variant (Variation ID: 1062183). This variant has not been reported in the literature in individuals affected with MFRP-related conditions. This variant is present in population databases (rs201919246, gnomAD 0.007%). This sequence change affects codon 170 of the MFRP mRNA. It is a 'silent' change, meaning that it does not change the encoded amino acid sequence of the MFRP protein. Algorithms developed to predict the effect of sequence changes on RNA splicing suggest that this variant may create or strengthen a splice site. In summary, the available evidence is currently insufficient to determine the role of this variant in disease. Therefore, it has been classified as a Variant of Uncertain Significance.